The following is an entry in ClinVar:

ClinVar aggregate classification (germline): Uncertain significance. Review status: criteria provided, multiple submitters, no conflicts (2 of 4 stars). 2 submissions from 2 submitters: Uncertain significance (2). Last evaluated 2023-10-03.

Conditions:
Inborn genetic diseases. Identifiers: MedGen C0950123, MeSH D030342.

Allele frequency attached by ClinVar (database versions not stated): ExAC 0.00003.
gnomAD v4.1: 26 of 1,613,930 alleles (0.0016%); highest among the groups gnomAD compares: Middle Eastern, 0.082%; no homozygotes.

Submissions (2):

Ambry Genetics
Classification: Uncertain significance for Inborn genetic diseases. Last evaluated: 2023-10-03. Review status: criteria provided, single submitter. Criteria: Ambry Variant Classification Scheme 2023. Collection method: clinical testing. Allele origin: germline.

Labcorp Genetics (formerly Invitae), Labcorp
Classification: Uncertain significance. Last evaluated: 2022-01-04. Review status: criteria provided, single submitter. Criteria: Invitae Variant Classification Sherloc (09022015). Collection method: clinical testing. Allele origin: germline.
Comment: This sequence change replaces glycine, which is neutral and non-polar, with aspartic acid, which is acidic and polar, at codon 608 of the SPART protein (p.Gly608Asp). This variant is present in population databases (rs757476233, gnomAD 0.006%). This variant has not been reported in the literature in individuals affected with SPART-related conditions. Algorithms developed to predict the effect of missense changes on protein structure and function are either unavailable or do not agree on the potential impact of this missense change (SIFT: "Deleterious"; PolyPhen-2: "Probably Damaging"; Align-GVGD: "Class C0"). In summary, the available evidence is currently insufficient to determine the role of this variant in disease. Therefore, it has been classified as a Variant of Uncertain Significance.

NM_015087.5(SPART):c.1823G>A (p.Gly608Asp)

Gene: SPART (spartin; minus strand). Cytogenetic location: 13q13.3.
Variant type: single nucleotide variant.
Coding change: c.1823G>A on transcript NM_015087.5 (MANE Select); coding-DNA position 1823, G replaced by A.
Protein change: p.Gly608Asp; replaces glycine 608 with aspartic acid.
Molecular consequence: missense variant.
Genome position (GRCh38, 1-based): chr13:36,304,543, C>T on the plus strand (G>A on the coding strand, the complement: SPART is on the minus strand). VCF-style: chr13-36304543-C-T. GRCh37 (hg19) VCF-style: chr13-36878680-C-T.
Other names: c.1823G>A, p.Gly608Asp (NM_001142294.2, NM_001142295.2, NM_001142296.2); c.1823G>A (NM_015087.4); short protein forms G608D.
Identifiers: ClinVar variation 2083155 (VCV002083155.4), dbSNP rs757476233, ClinGen allele CA6949271.